The following is an entry in ClinVar:

ClinVar aggregate classification (germline): Pathogenic. Review status: reviewed by expert panel (3 of 4 stars). 13 submissions from 11 submitters: Pathogenic (1). 12 of the submissions do not count toward it. Last evaluated 2016-09-08.

Conditions:
Hereditary cancer-predisposing syndrome. Also called: Tumor predisposition; Hereditary neoplastic syndrome; Hereditary Cancer Syndrome; Neoplastic Syndromes, Hereditary. Identifiers: Orphanet 140162, MedGen C0027672, MeSH D009386, MONDO:0015356.
Hereditary breast ovarian cancer syndrome. Also called: Hereditary breast and/or ovarian cancer syndrome; Hereditary breast and ovarian cancer syndrome (HBOC); Hereditary breast and ovarian cancer; Hereditary breast and ovarian cancer syndrome; Breast and ovarian cancer; BRCA1- and BRCA2-Associated Hereditary Breast and Ovarian Cancer. Identifiers: Orphanet 145, MedGen C0677776, MeSH D061325, MONDO:0003582. Disease mechanism: loss of function.
Breast-ovarian cancer, familial, susceptibility to, 2 (BROVCA2). Also called: BRCA2 Hereditary Breast and Ovarian Cancer. Identifiers: Orphanet 145, MedGen C2675520, MONDO:0012933, OMIM 612555. Disease mechanism: loss of function.
Glioma susceptibility 3 (GLM3). Also called: Glioblastoma 3. Identifiers: Orphanet 182067, Orphanet 360, MedGen C2751641, MONDO:0013093, OMIM 613029.
Medulloblastoma (MDB). Also called: MEDULLOBLASTOMA PREDISPOSITION SYNDROME; Medulloblastoma, somatic. Identifiers: Orphanet 616, MedGen C0025149, MeSH D008527, MONDO:0007959, OMIM 155255, HP:0002885.
Wilms tumor 1 (WT1). Also called: Wilms tumor, somatic. Identifiers: Orphanet 654, MedGen CN033288, MONDO:0008679, OMIM 194070.

Submissions (13):

Evidence-based Network for the Interpretation of Germline Mutant Alleles (ENIGMA)
Classification: Pathogenic for Breast-ovarian cancer, familial, susceptibility to, 2. Last evaluated: 2016-09-08. Review status: reviewed by expert panel. Criteria: ENIGMA BRCA1/2 Classification Criteria (2015). Collection method: curation. Allele origin: germline.
Comment: Variant allele predicted to encode a truncated non-functional protein.

Quest Diagnostics Nichols Institute San Juan Capistrano
Classification: Pathogenic. Last evaluated: 2024-03-25. Review status: criteria provided, single submitter. Criteria: Quest Diagnostics criteria. Collection method: clinical testing. Allele origin: unknown. Not counted in ClinVar's aggregate classification.
Comment: The BRCA2 c.5645C>G (p.Ser1882*) variant causes the premature termination of BRCA2 protein synthesis. This variant has been reported in the published literature in multiple individuals with breast and/or ovarian cancer (PMIDs: 28039656 (2017), 27767231 (2017), 26439132 (2016), 22666503 (2012), 16683254 (2006)). This variant has not been reported in large, multi-ethnic general populations (Genome Aggregation Database). Based on the available information, this variant is classified as pathogenic.

Labcorp Genetics (formerly Invitae), Labcorp
Classification: Pathogenic for Hereditary breast ovarian cancer syndrome. Last evaluated: 2023-01-31. Review status: criteria provided, single submitter. Criteria: Invitae Variant Classification Sherloc (09022015). Collection method: clinical testing. Allele origin: germline. Not counted in ClinVar's aggregate classification.
Comment: This sequence change creates a premature translational stop signal (p.Ser1882*) in the BRCA2 gene. It is expected to result in an absent or disrupted protein product. Loss-of-function variants in BRCA2 are known to be pathogenic (PMID: 20104584). This variant is not present in population databases (gnomAD no frequency). This premature translational stop signal has been observed in individual(s) with breast and/or ovarian cancer (PMID: 19949876, 22666503, 27767231, 28039656, 29446198). ClinVar contains an entry for this variant (Variation ID: 9346). For these reasons, this variant has been classified as Pathogenic.

Ambry Genetics
Classification: Pathogenic for Hereditary cancer-predisposing syndrome. Last evaluated: 2022-08-05. Review status: criteria provided, single submitter. Criteria: Ambry Variant Classification Scheme 2023. Collection method: clinical testing. Allele origin: germline. Not counted in ClinVar's aggregate classification.
Comment: The p.S1882* pathogenic mutation (also known as c.5645C>G), located in coding exon 10 of the BRCA2 gene, results from a C to G substitution at nucleotide position 5645. This changes the amino acid from a serine to a stop codon within coding exon 10. This pathogenic mutation has been reported in an ovarian cancer patient, and was confirmed in a formalin-fixed paraffin-embedded (FFPE) tumor tissue sample to show loss of heterozygosity (LOH) (Weren RD et al. Hum. Mutat. 2017 Feb;38:226-235). Further, an alteration resulting in the same truncated protein, p.S1882* (c.5645C>A), has been reported in an individuals diagnosed with triple negative breast cancer, ovarian cancer, and in a family with multiple cases of breast cancer (Meyer P et al. PLoS One 2012;7(5):e38361; Sakomoto I et al. Cancer 2016 Jan;122(1):84-90; Verhoog LC et al. J. Clin. Oncol. 1999 Nov;17(11):3396-3402). This variant is considered to be rare based on population cohorts in the Genome Aggregation Database (gnomAD). In addition to the clinical data presented in the literature, this alteration is expected to result in loss of function by premature protein truncation or nonsense-mediated mRNA decay. As such, this alteration is interpreted as a disease-causing mutation.

Consortium of Investigators of Modifiers of BRCA1/2 (CIMBA), c/o University of Cambridge
Classification: Pathogenic for Breast-ovarian cancer, familial, susceptibility to, 2. Last evaluated: 2015-10-02. Review status: criteria provided, single submitter. Criteria: CIMBA Mutation Classification guidelines May 2016. Collection method: clinical testing. Allele origin: germline. Not counted in ClinVar's aggregate classification.

BRCAlab, Lund University
Classification: Pathogenic for Breast-ovarian cancer, familial, susceptibility to, 2. Last evaluated: 2020-03-02. Review status: no assertion criteria provided. Collection method: clinical testing. Allele origin: germline. Affected: yes. Not counted in ClinVar's aggregate classification.

Research Molecular Genetics Laboratory, Women's College Hospital, University of Toronto
Classification: Pathogenic for Hereditary breast ovarian cancer syndrome. Last evaluated: 2014-01-31. Review status: no assertion criteria provided. Collection method: research. Allele origin: germline. Affected: yes. Study: The Canadian Open Genetics Repository (COGR). Not counted in ClinVar's aggregate classification.

OMIM
Classification: Pathogenic for WILMS TUMOR. Last evaluated: 2005-02-01. Review status: no assertion criteria provided. Collection method: literature only. Allele origin: germline. Not counted in ClinVar's aggregate classification.

OMIM
Classification: risk factor for GLIOMA SUSCEPTIBILITY 3. Last evaluated: 2005-02-01. Review status: no assertion criteria provided. Collection method: literature only. Allele origin: germline. Not counted in ClinVar's aggregate classification.

OMIM
Classification: Pathogenic for MEDULLOBLASTOMA. Last evaluated: 2005-02-01. Review status: no assertion criteria provided. Collection method: literature only. Allele origin: germline. Not counted in ClinVar's aggregate classification.

Breast Cancer Information Core (BIC) (BRCA2)
Classification: Pathogenic for Breast-ovarian cancer, familial 2. Last evaluated: 2000-06-12. Review status: no assertion criteria provided. Collection method: clinical testing. Allele origin: germline. Affected: yes. Observed: 3 variant alleles. Not counted in ClinVar's aggregate classification.

Clinical Genetics DNA and cytogenetics Diagnostics Lab, Erasmus MC, Erasmus Medical Center
Classification: Pathogenic. Review status: no assertion criteria provided. Collection method: clinical testing. Allele origin: germline. Affected: yes. Study: VKGL Data-share Consensus. Not counted in ClinVar's aggregate classification.

Joint Genome Diagnostic Labs from Nijmegen and Maastricht, Radboudumc and MUMC+
Classification: Pathogenic. Review status: no assertion criteria provided. Collection method: clinical testing. Allele origin: germline. Affected: yes. Study: VKGL Data-share Consensus. Not counted in ClinVar's aggregate classification.

Literature cited by the submitters: PubMed 29446198 (cited by Quest Diagnostics Nichols Institute San Juan Capistrano and Labcorp Genetics (formerly Invitae), Labcorp); PubMed 27767231 (cited by 3 submitters); PubMed 22666503 (cited by 3 submitters); PubMed 16683254 (cited by Quest Diagnostics Nichols Institute San Juan Capistrano and Ambry Genetics); PubMed 16825431 (cited by Quest Diagnostics Nichols Institute San Juan Capistrano); PubMed 15689453 (cited by Quest Diagnostics Nichols Institute San Juan Capistrano and OMIM); PubMed 26439132 (cited by Quest Diagnostics Nichols Institute San Juan Capistrano); PubMed 28039656 (cited by 3 submitters); PubMed 20104584 (cited by Labcorp Genetics (formerly Invitae), Labcorp); PubMed 19949876 (cited by Labcorp Genetics (formerly Invitae), Labcorp); PubMed 15800311 (cited by Ambry Genetics); PubMed 25525159 (cited by Ambry Genetics).

NM_000059.4(BRCA2):c.5645C>G (p.Ser1882Ter)

Gene: BRCA2 (BRCA2 DNA repair associated; plus strand). Cytogenetic location: 13q13.1.
Variant type: single nucleotide variant.
Coding change: c.5645C>G on transcript NM_000059.4 (MANE Select); coding-DNA position 5645, C replaced by G.
Protein change: p.Ser1882Ter; replaces serine 1882 with a stop codon.
Molecular consequence: nonsense.
Genome position (GRCh38, 1-based): chr13:32,340,000, C>G. VCF-style: chr13-32340000-C-G. GRCh37 (hg19) VCF-style: chr13-32914137-C-G.
Other names: short protein forms S1882*.
Identifiers: ClinVar variation 9346 (VCV000009346.23), dbSNP rs80358785, ClinGen allele CA022825.